The following is an entry in ClinVar:

ClinVar aggregate classification (germline): Uncertain significance (1 of 4 stars; one submission).

Allele frequency attached by ClinVar (database versions not stated): TOPMed 0.00001; gnomAD 0.00002; gnomAD exomes 0.00003; ExAC 0.00007.
gnomAD v4.1: 49 of 1,614,008 alleles (0.003%); highest among the groups gnomAD compares: Middle Eastern, 0.049%; no homozygotes.

Submission:

Labcorp Genetics (formerly Invitae), Labcorp
Classification: Uncertain significance. Last evaluated: 2023-08-09. Review status: criteria provided, single submitter. Criteria: Invitae Variant Classification Sherloc (09022015). Collection method: clinical testing. Allele origin: germline.
Comment: An algorithm developed to predict the effect of missense changes on protein structure and function (PolyPhen-2) suggests that this variant is likely to be disruptive. This sequence change replaces serine, which is neutral and polar, with cysteine, which is neutral and slightly polar, at codon 2168 of the BPTF protein (p.Ser2168Cys). This variant is present in population databases (rs767763183, gnomAD 0.01%). This variant has not been reported in the literature in individuals affected with BPTF-related conditions. In summary, the available evidence is currently insufficient to determine the role of this variant in disease. Therefore, it has been classified as a Variant of Uncertain Significance.

NM_182641.4(BPTF):c.6125C>G (p.Ser2042Cys)

Gene: BPTF (bromodomain PHD finger transcription factor; plus strand). Cytogenetic location: 17q24.2.
Variant type: single nucleotide variant.
Coding change: c.6125C>G on transcript NM_182641.4 (MANE Select); coding-DNA position 6125, C replaced by G.
Protein change: p.Ser2042Cys; replaces serine 2042 with cysteine.
Molecular consequence: missense variant.
Genome position (GRCh38, 1-based): chr17:67,929,462, C>G. VCF-style: chr17-67929462-C-G. GRCh37 (hg19) VCF-style: chr17-65925578-C-G.
Other names: c.6503C>G, p.Ser2168Cys (NM_004459.7); short protein forms S2042C, S2168C.
Identifiers: ClinVar variation 2907736 (VCV002907736.3), dbSNP rs767763183, ClinGen allele CA8726106.